The following is an entry in ClinVar:

NM_001486.4(GCKR):c.428+6C>T

Gene: GCKR (glucokinase regulator; plus strand). Cytogenetic location: 2p23.3.
Variant type: single nucleotide variant.
Coding change: c.428+6C>T on transcript NM_001486.4 (MANE Select); 6 bases into the intron after coding-DNA position 428, C replaced by T.
Molecular consequence: intron variant.
Genome position (GRCh38, 1-based): chr2:27,498,803, C>T. VCF-style: chr2-27498803-C-T. GRCh37 (hg19) VCF-style: chr2-27721670-C-T.
Identifiers: ClinVar variation 3042849 (VCV003042849.4), dbSNP rs368953418, ClinGen allele CA1581556.
Genomic context (GRCh38, chr2:27,498,803, plus strand): 5'-TGAAAGGTCTGGGACAGAAACCTCTTTACACCTACCTCATTGCAGGTGGTGACAGGTAAG[C>T]CAAGTTAGCCTATGAATATTTTGTTTGACCTAAATAGTATTTCTTAGAAATTGAGTTGGA-3'

ClinVar aggregate classification (germline): Likely benign. Review status: criteria provided, single submitter (1 of 4 stars). 2 submissions from 2 submitters: Likely benign (1). 1 of the submissions does not count toward it. Last evaluated 2025-08-11.

Conditions:
GCKR-related disorder. Also called: GCKR-related condition.

Allele frequency attached by ClinVar (database versions not stated): ExAC 0.00026; 1000 Genomes Project 0.00120; ESP Exome Variant Server 0.00077; 1000 Genomes Project 30x 0.00141.
gnomAD v4.1: 231 of 1,537,234 alleles (0.015%); highest among the groups gnomAD compares: African/African-American, 0.28%; no homozygotes.

Submissions (2):

Labcorp Genetics (formerly Invitae), Labcorp
Classification: Likely benign. Last evaluated: 2025-08-11. Review status: criteria provided, single submitter. Criteria: Invitae Variant Classification Sherloc (09022015). Collection method: clinical testing. Allele origin: germline.

PreventionGenetics, part of Exact Sciences
Classification: Likely benign for GCKR-related condition. Last evaluated: 2019-06-26. Review status: no assertion criteria provided. Collection method: clinical testing. Allele origin: germline. Not counted in ClinVar's aggregate classification.
Comment: This variant is classified as likely benign based on ACMG/AMP sequence variant interpretation guidelines (Richards et al. 2015 PMID: 25741868, with internal and published modifications).